The following is an entry in ClinVar:

NM_145059.3(FCSK):c.2257C>T (p.Arg753Cys)

Gene: FCSK (fucose kinase; plus strand). Cytogenetic location: 16q22.1.
Variant type: single nucleotide variant.
Coding change: c.2257C>T on transcript NM_145059.3 (MANE Select); coding-DNA position 2257, C replaced by T.
Protein change: p.Arg753Cys; replaces arginine 753 with cysteine.
Molecular consequence: missense variant.
Genome position (GRCh38, 1-based): chr16:70,474,891, C>T. VCF-style: chr16-70474891-C-T. GRCh37 (hg19) VCF-style: chr16-70508794-C-T.
Other names: short protein forms R753C.
Identifiers: ClinVar variation 2071989 (VCV002071989.4), dbSNP rs766513725, ClinGen allele CA8143539.

ClinVar aggregate classification (germline): Uncertain significance (1 of 4 stars; one submission).

Allele frequency attached by ClinVar (database versions not stated): gnomAD 0.00001; TOPMed 0.00001; gnomAD exomes 0.00001; ExAC 0.00007.
gnomAD v4.1: 20 of 1,606,470 alleles (0.0012%); highest among the groups gnomAD compares: Middle Eastern, 0.034%; no homozygotes.

Submission:

Labcorp Genetics (formerly Invitae), Labcorp
Classification: Uncertain significance. Last evaluated: 2023-04-24. Review status: criteria provided, single submitter. Criteria: Invitae Variant Classification Sherloc (09022015). Collection method: clinical testing. Allele origin: germline.
Comment: This sequence change replaces arginine, which is basic and polar, with cysteine, which is neutral and slightly polar, at codon 753 of the FUK protein (p.Arg753Cys). This variant is present in population databases (rs766513725, gnomAD 0.003%). This variant has not been reported in the literature in individuals affected with FUK-related conditions. ClinVar contains an entry for this variant (Variation ID: 2071989). An algorithm developed to predict the effect of missense changes on protein structure and function (PolyPhen-2) suggests that this variant is likely to be disruptive. In summary, the available evidence is currently insufficient to determine the role of this variant in disease. Therefore, it has been classified as a Variant of Uncertain Significance.